The following is an entry in ClinVar:

NC_000013.11:g.45060003_45336004dup

Genes: GTF2F2 (general transcription factor IIF subunit 2; plus strand), KCTD4 (potassium channel tetramerization domain containing 4; minus strand), TPT1 (tumor protein, translationally-controlled 1; minus strand), LOC101929259 (uncharacterized LOC101929259; plus strand), LOC130009692 (ATAC-STARR-seq lymphoblastoid silent region 5310; plus strand) and 2 more. Cytogenetic location: 13q14.12-14.13.
Variant type: Duplication.
Identifiers: ClinVar variation 157271 (VCV000157271.2).

ClinVar aggregate classification (germline): not provided (0 of 4 stars; one submission).

Conditions:
Gestational diabetes mellitus uncontrolled. Identifiers: MedGen C3532257.

Submission:

Institute of Molecular and Cell Biology, University of Tartu
No classification provided. Condition: Gestational diabetes mellitus uncontrolled. Review status: no classification provided. Collection method: case-control. Allele origin: unknown. Affected: yes. Study: Kasak2014.
Comment: The study aimed to determine the contribution of copy number variants in the genetic etiology of normal and complicated pregnancies. The samples represented (i) maternal blood DNA drawn from healthy pregnant women during 1st or 2nd trimester and (ii) maternal and paternal blood DNA drawn at term pregnancy cases representing normal and complicated gestations (severe preeclampsia, PE; gestational diabetes, GD; small-for-gestational age newborn, SGA; large-for-gestational age newborn, LGA). We performed CNV calling based on genome-wide genotyping dataset (Illumina HumanOmniExpress-24-v1 BeadChip) by applying three algorithms, QuantiSNP, GADA (Genome Alteration Detection Algorithm) and CNstream in parallel. The acquired CNV calls were merged with HD-CNV (Hotspot Detector for Copy Number Variants) program and only the CNVs predicted by at least two programs, were considered in subsequent analysis.

Literature cited by the submitters: PubMed 25666259.